The following is an entry in ClinVar:

ClinVar aggregate classification (germline): Uncertain significance. Review status: criteria provided, multiple submitters, no conflicts (2 of 4 stars). 3 submissions from 3 submitters: Uncertain significance (3). Last evaluated 2025-09-17.

Conditions:
Hereditary cancer-predisposing syndrome. Also called: Hereditary neoplastic syndrome; Neoplastic Syndromes, Hereditary; Tumor predisposition; Hereditary Cancer Syndrome. Identifiers: Orphanet 140162, MedGen C0027672, MeSH D009386, MONDO:0015356.

Allele frequency attached by ClinVar (database versions not stated): gnomAD exomes below 0.00001 and 0.00001; ExAC 0.00001; gnomAD 0.00001; TOPMed 0.00001.
gnomAD v4.1: 4 of 1,607,284 alleles (0.00025%); highest among the groups gnomAD compares: African/African-American, 0.0054%; 1 homozygote.

Submissions (3):

Ambry Genetics
Classification: Uncertain significance for Hereditary cancer-predisposing syndrome. Last evaluated: 2025-09-17. Review status: criteria provided, single submitter. Criteria: Ambry Variant Classification Scheme 2023. Collection method: clinical testing. Allele origin: germline.
Comment: The p.T536I variant (also known as c.1607C>T), located in coding exon 11 of the MSH3 gene, results from a C to T substitution at nucleotide position 1607. The threonine at codon 536 is replaced by isoleucine, an amino acid with similar properties. This amino acid position is well conserved in available vertebrate species. In addition, the in silico prediction for this alteration is inconclusive. Based on the available evidence, the clinical significance of this variant remains unclear.

Labcorp Genetics (formerly Invitae), Labcorp
Classification: Uncertain significance. Last evaluated: 2025-06-03. Review status: criteria provided, single submitter. Criteria: Invitae Variant Classification Sherloc (09022015). Collection method: clinical testing. Allele origin: germline.
Comment: This sequence change replaces threonine, which is neutral and polar, with isoleucine, which is neutral and non-polar, at codon 536 of the MSH3 protein (p.Thr536Ile). This variant is present in population databases (rs780858508, gnomAD 0.02%). This variant has not been reported in the literature in individuals affected with MSH3-related conditions. ClinVar contains an entry for this variant (Variation ID: 947245). An algorithm developed to predict the effect of missense changes on protein structure and function (PolyPhen-2) suggests that this variant is likely to be tolerated. In summary, the available evidence is currently insufficient to determine the role of this variant in disease. Therefore, it has been classified as a Variant of Uncertain Significance.

GeneDx
Classification: Uncertain significance. Last evaluated: 2022-03-01. Review status: criteria provided, single submitter. Criteria: GeneDx Variant Classification Process June 2021. Collection method: clinical testing. Allele origin: germline. Affected: yes.
Comment: In silico analysis supports that this missense variant does not alter protein structure/function; Has not been previously published as pathogenic or benign to our knowledge; Variants in candidate genes are classified as variants of uncertain significance in accordance with ACMG guidelines (Richards 2015)

NM_002439.5(MSH3):c.1607C>T (p.Thr536Ile)

Gene: MSH3 (mutS homolog 3; plus strand). Cytogenetic location: 5q14.1.
Variant type: single nucleotide variant.
Coding change: c.1607C>T on transcript NM_002439.5 (MANE Select); coding-DNA position 1607, C replaced by T.
Protein change: p.Thr536Ile; replaces threonine 536 with isoleucine.
Molecular consequence: missense variant.
Genome position (GRCh38, 1-based): chr5:80,741,502, C>T. VCF-style: chr5-80741502-C-T. GRCh37 (hg19) VCF-style: chr5-80037321-C-T.
Other names: short protein forms T536I.
Identifiers: ClinVar variation 947245 (VCV000947245.16), dbSNP rs780858508, ClinGen allele CA3327981.